The following is an entry in ClinVar:

ClinVar aggregate classification (germline): Pathogenic (1 of 4 stars; one submission).

Conditions:
Familial cancer of breast. Also called: hereditary breast carcinoma; Hereditary breast cancer; BREAST CANCER, FAMILIAL. Identifiers: Orphanet 227535, MedGen C0346153, MONDO:0016419, OMIM 114480. Disease mechanism: loss of function.

Submission:

Myriad Genetics, Inc.
Classification: Pathogenic for Familial cancer of breast. Last evaluated: 2024-07-15. Review status: criteria provided, single submitter. Criteria: Myriad Autosomal Dominant, Autosomal Recessive and X-Linked Classification Criteria (2023). Collection method: clinical testing. Allele origin: unknown.
Comment: This variant is considered pathogenic. This variant creates a frameshift predicted to result in premature protein truncation.

NM_024675.4(PALB2):c.3108dup (p.Ile1037fs)

Gene: PALB2 (partner and localizer of BRCA2; minus strand). Cytogenetic location: 16p12.2.
Variant type: Duplication.
Coding change: c.3108dup on transcript NM_024675.4 (MANE Select); coding-DNA position 3108, one base duplicated (T; older notation c.3108dupT).
Protein change: p.Ile1037fs; shifts the reading frame from isoleucine 1037.
Molecular consequence: frameshift variant. On other transcripts: intron variant (1).
Genome position (GRCh38, 1-based): chr16:23,621,367, A duplicated on the plus strand (T on the coding strand, the reverse complement: PALB2 is on the minus strand); the first of 2 consecutive A bases (chr16:23,621,367-23,621,368); duplicating either gives the same sequence. VCF-style (leftmost placement, unchanged base first): chr16-23621366-T-TA. GRCh37 (hg19) VCF-style: chr16-23632687-T-TA.
Other names: c.3048dup, p.Ile1017fs (NM_001407296.1); c.3036dup, p.Ile1013fs (NM_001407297.1); c.2946dup, p.Ile983fs (NM_001407298.1, NM_001407302.1); c.3108dup, p.Ile1037fs (NM_001407299.1, NM_001407301.1); c.2223dup, p.Ile742fs (NM_001407304.1, NM_001407305.1, NM_001407306.1 and 4 more transcripts); c.2061dup, p.Ile688fs (NM_001407307.1); c.1320dup, p.Ile441fs (NM_001407312.1, NM_001407313.1); c.642dup, p.Ile215fs (NM_001407314.1); and 1 more; short protein forms I1013fs, I1017fs, I1037fs, I215fs, I441fs, I688fs, I742fs, I983fs.
Identifiers: ClinVar variation 3379243 (VCV003379243.1).
Genomic context (GRCh38, chr16:23,621,366, plus strand): 5'-GAGGTATATCCTCATACTACAGATGAGGGAACTGAGGACCTAGAGGGAAAGCTTACCAAA[T>TA]AACAATGTTGTTCATAATAGTAGTACCAAGCAGAGCTTCTTGCATCCCTTGGACCTCAGC-3'